The following is an entry in ClinVar:

NM_001368397.1(FRMPD4):c.148T>A (p.Tyr50Asn)

Gene: FRMPD4 (FERM and PDZ domain containing 4; plus strand). Cytogenetic location: Xp22.2.
Variant type: single nucleotide variant.
Coding change: c.148T>A on transcript NM_001368397.1 (MANE Select); coding-DNA position 148, T replaced by A.
Protein change: p.Tyr50Asn; replaces tyrosine 50 with asparagine.
Molecular consequence: missense variant.
Genome position (GRCh38, 1-based): chrX:12,498,786, T>A. VCF-style: chrX-12498786-T-A. GRCh37 (hg19) VCF-style: chrX-12516905-T-A.
Other names: c.259T>A, p.Tyr87Asn (NM_001368395.3, NM_001368398.3); c.148T>A, p.Tyr50Asn (NM_001368396.3, NM_014728.3); c.139T>A, p.Tyr47Asn (NM_001368399.3); c.28T>A, p.Tyr10Asn (NM_001368400.3); c.124T>A, p.Tyr42Asn (NM_001368401.1, NM_001368402.3); short protein forms Y10N, Y42N, Y47N, Y50N, Y87N.
Identifiers: ClinVar variation 4852694 (VCV004852694.2).

ClinVar aggregate classification (germline): Uncertain significance (1 of 4 stars; one submission).

Submission:

Dasa
Classification: Uncertain significance. Last evaluated: 2025-10-04. Review status: criteria provided, single submitter. Criteria: DASA Assertion Criteria. Collection method: clinical testing. Allele origin: germline.
Comment: NM_001368397.1(FRMPD4):c.148T>A (p.Tyr50Asn) is a missense variant that results in the substitution of tyrosine with asparagine. This variant is absent from population databases. The currently available literature and clinical evidence are not sufficient to establish a definitive association between this variant and the reported condition. Therefore, this variant is classified as a variant of uncertain significance.